The following is an entry in ClinVar:

ClinVar aggregate classification (germline): Uncertain significance (1 of 4 stars; one submission).

Submission:

CeGaT Center for Human Genetics Tuebingen
Classification: Uncertain significance. Last evaluated: 2025-01-01. Review status: criteria provided, single submitter. Criteria: CeGaT Center For Human Genetics Tuebingen Variant Classification Criteria Version 2. Collection method: clinical testing. Allele origin: germline. Affected: yes. Observed: 2 variant alleles.
Comment: GUF1: PM2

NM_021927.3(GUF1):c.645T>G (p.Asp215Glu)

Gene: GUF1 (GTP binding elongation factor GUF1; plus strand). Cytogenetic location: 4p12.
Variant type: single nucleotide variant.
Coding change: c.645T>G on transcript NM_021927.3 (MANE Select); coding-DNA position 645, T replaced by G.
Protein change: p.Asp215Glu; replaces aspartic acid 215 with glutamic acid.
Molecular consequence: missense variant. On other transcripts: 5 prime UTR variant (2).
Genome position (GRCh38, 1-based): chr4:44,683,294, T>G. VCF-style: chr4-44683294-T-G. GRCh37 (hg19) VCF-style: chr4-44685311-T-G.
Other names: c.-328T>G (NM_001345867.2, NM_001345869.2); c.645T>G, p.Asp215Glu (NM_001345868.2); short protein forms D215E.
Identifiers: ClinVar variation 3772308 (VCV003772308.13).